The following is an entry in ClinVar:

ClinVar aggregate classification (germline): Pathogenic (1 of 4 stars; one submission).

Conditions:
Myofibrillar myopathy 5. Also called: Filaminopathy (type); FILAMINOPATHY, AUTOSOMAL DOMINANT. Identifiers: Orphanet 171445, MedGen C1836050, MONDO:0012289, OMIM 609524.
Distal myopathy with posterior leg and anterior hand involvement. Also called: WILLIAMS DISTAL MYOPATHY. Identifiers: Orphanet 63273, MedGen C3279722, MONDO:0013550, OMIM 614065.
Hypertrophic cardiomyopathy 26. Also called: Cardiomyopathy, familial hypertrophic, 26. Identifiers: Orphanet 75249, MedGen C4310749, MONDO:0014883, OMIM 617047.

Submission:

Labcorp Genetics (formerly Invitae), Labcorp
Classification: Pathogenic for Distal myopathy with posterior leg and anterior hand involvement; Myofibrillar myopathy 5; Hypertrophic cardiomyopathy 26. Last evaluated: 2021-05-13. Review status: criteria provided, single submitter. Criteria: Invitae Variant Classification Sherloc (09022015). Collection method: clinical testing. Allele origin: germline.
Comment: This sequence change creates a premature translational stop signal (p.Trp631*) in the FLNC gene. It is expected to result in an absent or disrupted protein product. Loss-of-function variants in FLNC are known to be pathogenic (PMID: 27908349). This variant is not present in population databases (ExAC no frequency). This variant has not been reported in the literature in individuals with FLNC-related conditions. For these reasons, this variant has been classified as Pathogenic.

Literature cited by the submitters: PubMed 27908349.

NM_001458.5(FLNC):c.1893G>A (p.Trp631Ter)

Gene: FLNC (filamin C; plus strand). Cytogenetic location: 7q32.1.
Variant type: single nucleotide variant.
Coding change: c.1893G>A on transcript NM_001458.5 (MANE Select); coding-DNA position 1893, G replaced by A.
Protein change: p.Trp631Ter; replaces tryptophan 631 with a stop codon.
Molecular consequence: nonsense.
Genome position (GRCh38, 1-based): chr7:128,841,249, G>A. VCF-style: chr7-128841249-G-A. GRCh37 (hg19) VCF-style: chr7-128481303-G-A.
Other names: c.1893G>A, p.Trp631Ter (NM_001127487.2); short protein forms W631*.
Identifiers: ClinVar variation 1074904 (VCV001074904.7), dbSNP rs1808320936, ClinGen allele CA369227304.
Genomic context (GRCh38, chr7:128,841,249, plus strand): 5'-CTCACAAGCCAAGATCGAATGTGACGACAAGGGGGATGGCTCCTGCGATGTGCGGTACTG[G>A]CCCACGGAGCCTGGGGAGTACGCTGTGCACGTCATCTGTGACGATGAGGACATCCGAGAC-3'